The following is an entry in ClinVar:

NM_001035.3(RYR2):c.11995A>G (p.Met3999Val)

Gene: RYR2 (ryanodine receptor 2; plus strand). Cytogenetic location: 1q43.
Variant type: single nucleotide variant.
Coding change: c.11995A>G on transcript NM_001035.3 (MANE Select); coding-DNA position 11995, A replaced by G.
Protein change: p.Met3999Val; replaces methionine 3999 with valine.
Molecular consequence: missense variant.
Genome position (GRCh38, 1-based): chr1:237,783,707, A>G. VCF-style: chr1-237783707-A-G. GRCh37 (hg19) VCF-style: chr1-237947007-A-G.
Other names: p.M3999V:ATG>GTG; c.11995A>G, p.Met3999Val (LRG_402t1); short protein forms M3999V.
Identifiers: ClinVar variation 201320 (VCV000201320.2), dbSNP rs794728780, ClinGen allele CA007307.

ClinVar aggregate classification (germline): Likely pathogenic (1 of 4 stars; one submission).

Submission:

GeneDx
Classification: Likely pathogenic. Last evaluated: 2014-06-19. Review status: criteria provided, single submitter. Criteria: GeneDx Variant Classification (06012015). Collection method: clinical testing. Allele origin: germline. Affected: yes.
Comment: p.Met3999Val (ATG>GTG): c.11995 A>G in exon 90 of the RYR2 gene (NM_001035.2). It has not been published as a mutation or as a benign polymorphism to our knowledge. The M3999V variant was not observed in approximately 6,500 individuals of European and African American ancestry in the NHLBI Exome Sequencing Project, indicating it is not a common benign variant in these populations. Although the M3999V variant is a conservative amino acid substitution, which is not likely to impact secondary protein structure as these residues share similar properties, this substitution occurs at a position that is conserved across species. In addition, M3999V is located in a mutation hot spot within the channel region of the RYR2 gene (Medeiros-Domingo A et al., 2009). Furthermore, missense mutations in nearby residues (V3990D, K3997E, M4002I) have been reported in association with CPVT, supporting the functional importance of this region of the protein. Therefore, this variant is a strong candidate for a pathogenic mutation, however the possibility that it is a benign variant cannot be excluded. The variant is found in CPVT,POSTMORTEM panel(s).